The following is an entry in ClinVar:

NM_003737.4(DCHS1):c.2974G>A (p.Gly992Arg)

Gene: DCHS1 (dachsous cadherin-related 1; minus strand). Cytogenetic location: 11p15.4.
Variant type: single nucleotide variant.
Coding change: c.2974G>A on transcript NM_003737.4 (MANE Select); coding-DNA position 2974, G replaced by A.
Protein change: p.Gly992Arg; replaces glycine 992 with arginine.
Molecular consequence: missense variant.
Genome position (GRCh38, 1-based): chr11:6,632,538, C>T on the plus strand (G>A on the coding strand, the complement: DCHS1 is on the minus strand). VCF-style: chr11-6632538-C-T. GRCh37 (hg19) VCF-style: chr11-6653769-C-T.
Other names: short protein forms G992R.
Identifiers: ClinVar variation 3600462 (VCV003600462.1).

ClinVar aggregate classification (germline): Uncertain significance (1 of 4 stars; one submission).

Conditions:
Van Maldergem syndrome 1 (VMLDS1). Also called: Van Maldergem syndrome 1 (VMLDS1). Identifiers: Orphanet 314679, MedGen C4551950, MONDO:0011070, OMIM 601390.

gnomAD v4.1: 1 of 1,532,134 alleles (0.000065%); highest among the groups gnomAD compares: Non-Finnish European, 0.000088%; no homozygotes.

Submission:

Clinical Genomics Laboratory, Washington University in St. Louis
Classification: Uncertain significance for Van Maldergem syndrome 1. Last evaluated: 2024-06-25. Review status: criteria provided, single submitter. Criteria: ACMG Guidelines, 2015. Collection method: clinical testing. Allele origin: germline.
Comment: A DCHS1 c.2974G>A (p.Gly992Arg) variant was identified at a heterozygous allelic fraction of 49.3%, a frequency which may be consistent with germline origin. This variant, to our knowledge, has not been reported in the medical literature and is only observed on 1/1,532,134 alleles in the general population (gnomAD v.4.1.0), indicating it is not a common variant. Computational predictors suggest that the variant does not impact DCHS1 function. Due to limited information, and based on ACMG/AMP guidelines for variant interpretation (Richards S et al., PMID: 25741868), the clinical significance of this variant is uncertain at this time.